The following is an entry in ClinVar:

ClinVar aggregate classification (germline): Uncertain significance (0 of 4 stars; one submission).

Conditions:
PPARG-related disorder. Also called: PPARG-related condition; PPARG-related disorders.

Submission:

PreventionGenetics, part of Exact Sciences
Classification: Uncertain significance for PPARG-related condition. Last evaluated: 2024-05-17. Review status: no assertion criteria provided. Collection method: clinical testing. Allele origin: germline.
Comment: The PPARG c.651G>C variant is predicted to result in the amino acid substitution p.Glu217Asp. To our knowledge, this variant has not been reported in the literature or in a large population database, indicating this variant is rare. An alternate substitution of this amino acid (p.Glu217Lys) has been reported in individuals with diabetes and/or lipodystrophy (Majithia et al. 2014. PubMed ID: 25157153; Dron et al. 2020. PubMed ID: 32041611; Gong et al. 2021. PubMed ID: 34764936). Although we suspect that this variant may be pathogenic, at this time, the clinical significance of this variant is uncertain due to the absence of conclusive functional and genetic evidence.

NM_138711.6(PPARG):c.561G>C (p.Glu187Asp)

Genes: PPARG (peroxisome proliferator activated receptor gamma; plus strand), LOC114803475 (PPARG eExon liver enhancer; plus strand). Cytogenetic location: 3p25.2.
Variant type: single nucleotide variant.
Coding change: c.561G>C on transcript NM_138711.6 (MANE Select); coding-DNA position 561, G replaced by C.
Protein change: p.Glu187Asp; replaces glutamic acid 187 with aspartic acid.
Molecular consequence: missense variant. On other transcripts: intron variant (1).
Genome position (GRCh38, 1-based): chr3:12,405,913, G>C. VCF-style: chr3-12405913-G-C. GRCh37 (hg19) VCF-style: chr3-12447412-G-C.
Other names: c.561G>C, p.Glu187Asp (NM_001330615.4, NM_001354666.3, NM_001354667.3 and 6 more transcripts); c.651G>C, p.Glu217Asp (NM_001354668.2, NM_001374265.1, NM_015869.5); c.567G>C, p.Glu189Asp (NM_001354670.2, NM_001374266.1); c.103-10791G>C (NM_001354669.2); short protein forms E187D, E189D, E217D.
Identifiers: ClinVar variation 3344116 (VCV003344116.1).